The following is an entry in ClinVar:

NM_003108.4(SOX11):c.306G>T (p.Ala102=)

Gene: SOX11 (SRY-box transcription factor 11; plus strand). Cytogenetic location: 2p25.2.
Variant type: single nucleotide variant.
Coding change: c.306G>T on transcript NM_003108.4 (MANE Select); coding-DNA position 306, G replaced by T.
Protein change: p.Ala102=; no amino-acid change (alanine 102 retained).
Molecular consequence: synonymous variant.
Genome position (GRCh38, 1-based): chr2:5,693,027, G>T. VCF-style: chr2-5693027-G-T. GRCh37 (hg19) VCF-style: chr2-5833159-G-T.
Identifiers: ClinVar variation 2790019 (VCV002790019.3), dbSNP rs760507252, ClinGen allele CA424763239.
Genomic context (GRCh38, chr2:5,693,027, plus strand): 5'-GCTGGGCAAGCGCTGGAAAATGCTGAAGGACAGCGAGAAGATCCCGTTCATCCGGGAGGC[G>T]GAGCGGCTGCGGCTCAAGCACATGGCCGACTACCCCGACTACAAGTACCGGCCCCGGAAA-3'
Protein context (NP_003099.1, residues 92-112): DSEKIPFIRE[Ala102=]ERLRLKHMAD

ClinVar aggregate classification (germline): Uncertain significance (1 of 4 stars; one submission).

gnomAD v4.1: 2 of 1,614,118 alleles (0.00012%); highest among the groups gnomAD compares: Non-Finnish European, 0.00017%; no homozygotes.

Submission:

Labcorp Genetics (formerly Invitae), Labcorp
Classification: Uncertain significance. Last evaluated: 2024-01-04. Review status: criteria provided, single submitter. Criteria: Invitae Variant Classification Sherloc (09022015). Collection method: clinical testing. Allele origin: germline.
Comment: This sequence change affects codon 102 of the SOX11 mRNA. It is a 'silent' change, meaning that it does not change the encoded amino acid sequence of the SOX11 protein. This variant is not present in population databases (gnomAD no frequency). This variant has not been reported in the literature in individuals affected with SOX11-related conditions. In summary, the available evidence is currently insufficient to determine the role of this variant in disease. Therefore, it has been classified as a Variant of Uncertain Significance.